The following is an entry in ClinVar:

NM_001383.6(DPH1):c.103G>T (p.Glu35Ter)

Gene: DPH1 (diphthamide biosynthesis 1; plus strand). Cytogenetic location: 17p13.3.
Variant type: single nucleotide variant.
Coding change: c.103G>T on transcript NM_001383.6 (MANE Select); coding-DNA position 103, G replaced by T.
Protein change: p.Glu35Ter; replaces glutamic acid 35 with a stop codon.
Molecular consequence: nonsense. On other transcripts: 5 prime UTR variant (1), non-coding transcript variant (3).
Genome position (GRCh38, 1-based): chr17:2,033,546, G>T. VCF-style: chr17-2033546-G-T. GRCh37 (hg19) VCF-style: chr17-1936840-G-T.
Other names: c.118G>T, p.Glu40Ter (NM_001346574.1, NM_001346575.1); c.-181G>T (NM_001346576.2); short protein forms E35*, E40*.
Identifiers: ClinVar variation 2682284 (VCV002682284.1), dbSNP rs2151341681, ClinGen allele CA397602277.

ClinVar aggregate classification (germline): Pathogenic (1 of 4 stars; one submission).

Conditions:
Developmental delay with short stature, dysmorphic facial features, and sparse hair 1. Also called: LOUCKS-INNES SYNDROME. Identifiers: MedGen CN323360, MONDO:0800438, OMIM 616901.

Allele frequency attached by ClinVar (database versions not stated): gnomAD exomes below 0.00001.
gnomAD v4.1: 1 of 1,614,170 alleles (0.000062%); highest among the groups gnomAD compares: East Asian, 0.0022%; no homozygotes.

Submission:

Women's Health and Genetics/Laboratory Corporation of America, LabCorp
Classification: Pathogenic for Developmental delay with short stature, dysmorphic facial features, and sparse hair 1. Last evaluated: 2023-11-03. Review status: criteria provided, single submitter. Criteria: LabCorp Variant Classification Summary - May 2015. Collection method: clinical testing. Allele origin: germline.
Comment: Variant summary: DPH1 c.103G>T (p.Glu35X) results in a premature termination codon, predicted to cause a truncation of the encoded protein or absence of the protein due to nonsense mediated decay, which are commonly known mechanisms for disease. The variant was absent in 249534 control chromosomes. To our knowledge, no occurrence of c.103G>T in individuals affected with Developmental Delay With Short Stature, Dysmorphic Facial Features, And Sparse Hair 1 and no experimental evidence demonstrating its impact on protein function have been reported. No submitters have cited clinical-significance assessments for this variant to ClinVar after 2014. Based on the evidence outlined above, the variant was classified as pathogenic.